The following is an entry in ClinVar:

ClinVar aggregate classification (germline): Uncertain significance (1 of 4 stars; one submission).

Conditions:
ALG9 congenital disorder of glycosylation (CDG1L). Also called: ALG9-CDG; CONGENITAL DISORDER OF GLYCOSYLATION, TYPE Il; CDG Il. Identifiers: Orphanet 79328, MedGen C2931006, MONDO:0012117, OMIM 608776.

Allele frequency attached by ClinVar (database versions not stated): ExAC 0.00002; TOPMed 0.00002; gnomAD 0.00003.
gnomAD v4.1: 18 of 1,612,846 alleles (0.0011%); highest among the groups gnomAD compares: South Asian, 0.0044%; no homozygotes.

Submission:

Labcorp Genetics (formerly Invitae), Labcorp
Classification: Uncertain significance for ALG9 congenital disorder of glycosylation. Last evaluated: 2022-05-22. Review status: criteria provided, single submitter. Criteria: Invitae Variant Classification Sherloc (09022015). Collection method: clinical testing. Allele origin: germline.
Comment: This sequence change replaces arginine, which is basic and polar, with histidine, which is basic and polar, at codon 543 of the ATP6V0A2 protein (p.Arg543His). This variant is present in population databases (rs779217471, gnomAD 0.01%). This variant has not been reported in the literature in individuals affected with ATP6V0A2-related conditions. Algorithms developed to predict the effect of missense changes on protein structure and function are either unavailable or do not agree on the potential impact of this missense change (SIFT: "Deleterious"; PolyPhen-2: "Possibly Damaging"; Align-GVGD: "Class C0"). In summary, the available evidence is currently insufficient to determine the role of this variant in disease. Therefore, it has been classified as a Variant of Uncertain Significance.

NM_012463.4(ATP6V0A2):c.1628G>A (p.Arg543His)

Gene: ATP6V0A2 (ATPase H+ transporting V0 subunit a2; plus strand). Cytogenetic location: 12q24.31.
Variant type: single nucleotide variant.
Coding change: c.1628G>A on transcript NM_012463.4 (MANE Select); coding-DNA position 1628, G replaced by A.
Protein change: p.Arg543His; replaces arginine 543 with histidine.
Molecular consequence: missense variant.
Genome position (GRCh38, 1-based): chr12:123,747,629, G>A. VCF-style: chr12-123747629-G-A. GRCh37 (hg19) VCF-style: chr12-124232176-G-A.
Other names: short protein forms R543H.
Identifiers: ClinVar variation 2173612 (VCV002173612.1), dbSNP rs779217471, ClinGen allele CA6861997.